The following is an entry in ClinVar:

ClinVar aggregate classification (germline): Benign (0 of 4 stars; one submission).

Conditions:
UVSSA-related disorder. Also called: UVSSA-related condition.

Allele frequency attached by ClinVar (database versions not stated): ESP Exome Variant Server 0.10579; gnomAD 0.13199; TOPMed 0.15154; 1000 Genomes Project 30x 0.24032; 1000 Genomes Project 0.24042.
gnomAD v4.1: 115,269 of 1,610,274 alleles (7.2%); highest among the groups gnomAD compares: East Asian, 40%; 11,174 homozygotes.

Submission:

PreventionGenetics, part of Exact Sciences
Classification: Benign for UVSSA-related condition. Last evaluated: 2019-11-12. Review status: no assertion criteria provided. Collection method: clinical testing. Allele origin: germline.
Comment: This variant is classified as benign based on ACMG/AMP sequence variant interpretation guidelines (Richards et al. 2015 PMID: 25741868, with internal and published modifications).

NM_020894.4(UVSSA):c.1172G>A (p.Arg391His)

Gene: UVSSA (UV stimulated scaffold protein A; plus strand). Cytogenetic location: 4p16.3.
Variant type: single nucleotide variant.
Coding change: c.1172G>A on transcript NM_020894.4 (MANE Select); coding-DNA position 1172, G replaced by A.
Protein change: p.Arg391His; replaces arginine 391 with histidine.
Molecular consequence: missense variant.
Genome position (GRCh38, 1-based): chr4:1,355,241, G>A. VCF-style: chr4-1355241-G-A. GRCh37 (hg19) VCF-style: chr4-1349029-G-A.
Other names: c.1172G>A, p.Arg391His (NM_001317934.2, NM_001317935.2); short protein forms R391H.
Identifiers: ClinVar variation 3059863 (VCV003059863.2), dbSNP rs2276904, ClinGen allele CA2805978.